The following is an entry in ClinVar:

NM_000090.4(COL3A1):c.2138C>T (p.Pro713Leu)

Gene: COL3A1 (collagen type III alpha 1 chain; plus strand). Cytogenetic location: 2q32.2.
Variant type: single nucleotide variant.
Coding change: c.2138C>T on transcript NM_000090.4 (MANE Select); coding-DNA position 2138, C replaced by T.
Protein change: p.Pro713Leu; replaces proline 713 with leucine.
Molecular consequence: missense variant.
Genome position (GRCh38, 1-based): chr2:188,999,486, C>T. VCF-style: chr2-188999486-C-T. GRCh37 (hg19) VCF-style: chr2-189864212-C-T.
Other names: short protein forms P713L.
Identifiers: ClinVar variation 3071451 (VCV003071451.2), dbSNP rs1364425945, ClinGen allele CA349840577.

ClinVar aggregate classification (germline): Uncertain significance. Review status: criteria provided, multiple submitters, no conflicts (2 of 4 stars). 2 submissions from 2 submitters: Uncertain significance (2). Last evaluated 2025-08-24.

Conditions:
Familial thoracic aortic aneurysm and aortic dissection (TAAD). Also called: Thoracic aortic aneurysms and dissections. Identifiers: Orphanet 91387, MedGen C4707243, MONDO:0019625.
Ehlers-Danlos syndrome, type 4 (EDSVASC). Also called: Ehlers-Danlos Syndrome Type IV; Ehlers-Danlos syndrome vascular type; Ehlers Danlos syndrome, ecchymotic type; Ehlers Danlos syndrome, arterial type; Ehlers Danlos syndrome, Sack-Barabas type. Identifiers: Orphanet 286, MedGen C0268338, MONDO:0017314, OMIM 130050.

Allele frequency attached by ClinVar (database versions not stated): gnomAD exomes below 0.00001; TOPMed below 0.00001.
gnomAD v4.1: 2 of 1,614,066 alleles (0.00012%); highest among the groups gnomAD compares: Non-Finnish European, 0.00017%; no homozygotes.

Submissions (2):

Color Diagnostics, LLC DBA Color Health
Classification: Uncertain significance for Familial thoracic aortic aneurysm and aortic dissection. Last evaluated: 2025-08-24. Review status: criteria provided, single submitter. Criteria: ACMG Guidelines, 2015. Collection method: clinical testing. Allele origin: germline.
Comment: This missense variant replaces proline with leucine at codon 713 of the COL3A1 protein. Computational prediction is inconclusive regarding the impact of this variant on protein structure and function. To our knowledge, functional studies have not been reported for this variant. This variant has not been reported in individuals affected with COL3A1-related disorders in the literature. This variant has been identified in 1/251086 chromosomes in the general population by the Genome Aggregation Database (gnomAD). The available evidence is insufficient to determine the role of this variant in disease conclusively. Therefore, this variant is classified as a Variant of Uncertain Significance.

All of Us Research Program, National Institutes of Health
Classification: Uncertain significance for Ehlers-Danlos syndrome, type 4. Last evaluated: 2023-06-27. Review status: criteria provided, single submitter. Criteria: ACMG Guidelines, 2015. Collection method: clinical testing. Allele origin: germline. Inheritance: Autosomal dominant inheritance. Observed: 1 variant allele, 1 heterozygote.
Comment: This study involves interpretation of variants in research participants for the purpose of population health screening. Participant phenotype was not available at the time of variant classification. Additional details can be found in publication PMID: 35346344, PMCID: PMC8962531